The following is an entry in ClinVar:

NM_004055.5(CAPN5):c.158G>A (p.Arg53Gln)

Gene: CAPN5 (calpain 5; plus strand). Cytogenetic location: 11q13.5.
Variant type: single nucleotide variant.
Coding change: c.158G>A on transcript NM_004055.5 (MANE Select); coding-DNA position 158, G replaced by A.
Protein change: p.Arg53Gln; replaces arginine 53 with glutamine.
Molecular consequence: missense variant.
Genome position (GRCh38, 1-based): chr11:77,085,044, G>A. VCF-style: chr11-77085044-G-A. GRCh37 (hg19) VCF-style: chr11-76796090-G-A.
Other names: short protein forms R53Q.
Identifiers: ClinVar variation 934840 (VCV000934840.12), dbSNP rs142613341, ClinGen allele CA6196137.

ClinVar aggregate classification (germline): Uncertain significance. Review status: criteria provided, multiple submitters, no conflicts (2 of 4 stars). 3 submissions from 3 submitters: Uncertain significance (3). Last evaluated 2024-10-16.

Conditions:
Inborn genetic diseases. Identifiers: MedGen C0950123, MeSH D030342.

Allele frequency attached by ClinVar (database versions not stated): gnomAD 0.00001 and 0.00002; gnomAD exomes 0.00002 and 0.00004; TOPMed 0.00003; ExAC 0.00008; ESP Exome Variant Server 0.00008; 1000 Genomes Project 30x 0.00016; 1000 Genomes Project 0.00020.

Submissions (3):

Labcorp Genetics (formerly Invitae), Labcorp
Classification: Uncertain significance. Last evaluated: 2024-10-16. Review status: criteria provided, single submitter. Criteria: Invitae Variant Classification Sherloc (09022015). Collection method: clinical testing. Allele origin: germline.
Comment: This sequence change replaces arginine, which is basic and polar, with glutamine, which is neutral and polar, at codon 53 of the CAPN5 protein (p.Arg53Gln). This variant is present in population databases (rs142613341, gnomAD 0.02%). This variant has not been reported in the literature in individuals affected with CAPN5-related conditions. ClinVar contains an entry for this variant (Variation ID: 934840). Invitae Evidence Modeling of protein sequence and biophysical properties (such as structural, functional, and spatial information, amino acid conservation, physicochemical variation, residue mobility, and thermodynamic stability) indicates that this missense variant is expected to disrupt CAPN5 protein function with a positive predictive value of 80%. In summary, the available evidence is currently insufficient to determine the role of this variant in disease. Therefore, it has been classified as a Variant of Uncertain Significance.

Ambry Genetics
Classification: Uncertain significance for Inborn genetic diseases. Last evaluated: 2023-05-31. Review status: criteria provided, single submitter. Criteria: Ambry Variant Classification Scheme 2023. Collection method: clinical testing. Allele origin: germline.

Blueprint Genetics
Classification: Uncertain significance. Last evaluated: 2019-11-28. Review status: criteria provided, single submitter. Criteria: ACMG Guidelines, 2015. Collection method: clinical testing. Allele origin: germline.